The following is an entry in ClinVar:

NM_006946.4(SPTBN2):c.4593+8A>G

Gene: SPTBN2 (spectrin beta, non-erythrocytic 2; minus strand). Cytogenetic location: 11q13.2.
Variant type: single nucleotide variant.
Coding change: c.4593+8A>G on transcript NM_006946.4 (MANE Select); 8 bases into the intron after coding-DNA position 4593, A replaced by G.
Molecular consequence: intron variant.
Genome position (GRCh38, 1-based): chr11:66,693,764, T>C on the plus strand (A>G on the coding strand, the complement: SPTBN2 is on the minus strand). VCF-style: chr11-66693764-T-C. GRCh37 (hg19) VCF-style: chr11-66461235-T-C.
Other names: c.4593+8A>G (NM_001437541.1); c.4614+8A>G (NM_001411025.1).
Identifiers: ClinVar variation 4682159 (VCV004682159.1).

ClinVar aggregate classification (germline): Uncertain significance (1 of 4 stars; one submission).

gnomAD v4.1: 15 of 1,610,976 alleles (0.00093%); highest among the groups gnomAD compares: Non-Finnish European, 0.0012%; no homozygotes.

Submission:

Athena Diagnostics
Classification: Uncertain significance. Last evaluated: 2025-03-13. Review status: criteria provided, single submitter. Criteria: Athena Diagnostics Criteria. Collection method: clinical testing. Allele origin: unknown.
Comment: Available data are insufficient to determine the clinical significance of the variant at this time. The frequency of this variant in the general population is uninformative in assessment of its pathogenicity. Computational tools yielded predictions that this variant is unlikely to have an effect on normal RNA splicing.